The following is an entry in ClinVar:

NM_000274.4(OAT):c.992G>T (p.Arg331Leu)

Gene: OAT (ornithine aminotransferase; minus strand). Cytogenetic location: 10q26.13.
Variant type: single nucleotide variant.
Coding change: c.992G>T on transcript NM_000274.4 (MANE Select); coding-DNA position 992, G replaced by T.
Protein change: p.Arg331Leu; replaces arginine 331 with leucine.
Molecular consequence: missense variant.
Genome position (GRCh38, 1-based): chr10:124,401,748, C>A on the plus strand (G>T on the coding strand, the complement: OAT is on the minus strand). VCF-style: chr10-124401748-C-A. GRCh37 (hg19) VCF-style: chr10-126090317-C-A.
Other names: c.578G>T, p.Arg193Leu (NM_001171814.2); c.992G>T, p.Arg331Leu (NM_001322965.2, NM_001322966.2, NM_001322967.2 and 3 more transcripts); c.671G>T, p.Arg224Leu (NM_001322971.2); c.392G>T, p.Arg131Leu (NM_001322974.2); short protein forms R331L, R224L, R131L, R193L.
Identifiers: ClinVar variation 1501254 (VCV001501254.5), dbSNP rs201504751, ClinGen allele CA215245999.

ClinVar aggregate classification (germline): Uncertain significance. Review status: criteria provided, multiple submitters, no conflicts (2 of 4 stars). 2 submissions from 2 submitters: Uncertain significance (2). Last evaluated 2025-10-22.

Conditions:
Ornithine aminotransferase deficiency (GACR). Also called: HYPERORNITHINEMIA WITH GYRATE ATROPHY OF CHOROID AND RETINA; OAT DEFICIENCY; Ornithine ketoacid aminotransferase deficiency; Gyrate atrophy; Gyrate atrophy of choroid and retina; Girate atrophy of the retina. Identifiers: Orphanet 414, MedGen C0018425, MONDO:0009796, OMIM 258870.

gnomAD v4.1: 9 of 1,612,140 alleles (0.00056%); highest among the groups gnomAD compares: Non-Finnish European, 0.00068%; no homozygotes.

Submissions (2):

Labcorp Genetics (formerly Invitae), Labcorp
Classification: Uncertain significance for Ornithine aminotransferase deficiency. Last evaluated: 2025-10-22. Review status: criteria provided, single submitter. Criteria: Invitae Variant Classification Sherloc (09022015). Collection method: clinical testing. Allele origin: germline.
Comment: This sequence change replaces arginine, which is basic and polar, with leucine, which is neutral and non-polar, at codon 331 of the OAT protein (p.Arg331Leu). This variant is not present in population databases (gnomAD no frequency). This variant has not been reported in the literature in individuals affected with OAT-related conditions. ClinVar contains an entry for this variant (Variation ID: 1501254). Invitae Evidence Modeling of protein sequence and biophysical properties (such as structural, functional, and spatial information, amino acid conservation, physicochemical variation, residue mobility, and thermodynamic stability) indicates that this missense variant is not expected to disrupt OAT protein function with a negative predictive value of 80%. In summary, the available evidence is currently insufficient to determine the role of this variant in disease. Therefore, it has been classified as a Variant of Uncertain Significance.

Blueprint Genetics
Classification: Uncertain significance. Last evaluated: 2021-02-11. Review status: criteria provided, single submitter. Criteria: ACMG Guidelines, 2015. Collection method: clinical testing. Allele origin: germline.